The following is an entry in ClinVar:

NM_170601.5(SIAE):c.826T>C (p.Tyr276His)

Gene: SIAE (sialic acid acetylesterase; minus strand). Cytogenetic location: 11q24.2.
Variant type: single nucleotide variant.
Coding change: c.826T>C on transcript NM_170601.5 (MANE Select); coding-DNA position 826, T replaced by C.
Protein change: p.Tyr276His; replaces tyrosine 276 with histidine.
Molecular consequence: missense variant.
Genome position (GRCh38, 1-based): chr11:124,648,072, A>G on the plus strand (T>C on the coding strand, the complement: SIAE is on the minus strand). VCF-style: chr11-124648072-A-G. GRCh37 (hg19) VCF-style: chr11-124517968-A-G.
Other names: c.721T>C, p.Tyr241His (NM_001199922.2); short protein forms Y241H, Y276H.
Identifiers: ClinVar variation 3005864 (VCV003005864.3), dbSNP rs371809656, ClinGen allele CA230390821.

ClinVar aggregate classification (germline): Uncertain significance (1 of 4 stars; one submission).

Allele frequency attached by ClinVar (database versions not stated): ESP Exome Variant Server 0.00008; gnomAD exomes below 0.00001; TOPMed below 0.00001.
gnomAD v4.1: 1 of 1,611,652 alleles (0.000062%); highest among the groups gnomAD compares: Non-Finnish European, 0.000085%; no homozygotes.

Submission:

Labcorp Genetics (formerly Invitae), Labcorp
Classification: Uncertain significance. Last evaluated: 2025-04-23. Review status: criteria provided, single submitter. Criteria: Invitae Variant Classification Sherloc (09022015). Collection method: clinical testing. Allele origin: germline.
Comment: This sequence change replaces tyrosine, which is neutral and polar, with histidine, which is basic and polar, at codon 276 of the SIAE protein (p.Tyr276His). This variant is not present in population databases (gnomAD no frequency). This variant has not been reported in the literature in individuals affected with SIAE-related conditions. ClinVar contains an entry for this variant (Variation ID: 3005864). An algorithm developed to predict the effect of missense changes on protein structure and function (PolyPhen-2) suggests that this variant is likely to be disruptive. In summary, the available evidence is currently insufficient to determine the role of this variant in disease. Therefore, it has been classified as a Variant of Uncertain Significance.